The following is an entry in ClinVar:

NM_003737.4(DCHS1):c.4715C>A (p.Pro1572Gln)

Gene: DCHS1 (dachsous cadherin-related 1; minus strand). Cytogenetic location: 11p15.4.
Variant type: single nucleotide variant.
Coding change: c.4715C>A on transcript NM_003737.4 (MANE Select); coding-DNA position 4715, C replaced by A.
Protein change: p.Pro1572Gln; replaces proline 1572 with glutamine.
Molecular consequence: missense variant.
Genome position (GRCh38, 1-based): chr11:6,630,079, G>T on the plus strand (C>A on the coding strand, the complement: DCHS1 is on the minus strand). VCF-style: chr11-6630079-G-T. GRCh37 (hg19) VCF-style: chr11-6651310-G-T.
Other names: short protein forms P1572Q.
Identifiers: ClinVar variation 4681768 (VCV004681768.5).

ClinVar aggregate classification (germline): Uncertain significance (1 of 4 stars; one submission).

gnomAD v4.1: 1 of 1,586,872 alleles (0.000063%); highest among the groups gnomAD compares: Non-Finnish European, 0.000086%; no homozygotes.

Submission:

CeGaT Center for Human Genetics Tuebingen
Classification: Uncertain significance. Last evaluated: 2025-12-01. Review status: criteria provided, single submitter. Criteria: CeGaT Center For Human Genetics Tuebingen Variant Classification Criteria Version 2. Collection method: clinical testing. Allele origin: germline. Affected: yes. Observed: 1 variant allele.
Comment: DCHS1: PM2